The following is an entry in ClinVar:

NM_004990.4(MARS1):c.643G>A (p.Ala215Thr)

Gene: MARS1 (methionyl-tRNA synthetase 1; plus strand). Cytogenetic location: 12q13.3.
Variant type: single nucleotide variant.
Coding change: c.643G>A on transcript NM_004990.4 (MANE Select); coding-DNA position 643, G replaced by A.
Protein change: p.Ala215Thr; replaces alanine 215 with threonine.
Molecular consequence: missense variant.
Genome position (GRCh38, 1-based): chr12:57,490,359, G>A. VCF-style: chr12-57490359-G-A. GRCh37 (hg19) VCF-style: chr12-57884142-G-A.
Other names: c.643G>A (NM_004990.3); short protein forms A215T.
Identifiers: ClinVar variation 1042089 (VCV001042089.10), dbSNP rs187172640, ClinGen allele CA6650230.

ClinVar aggregate classification (germline): Uncertain significance. Review status: criteria provided, multiple submitters, no conflicts (2 of 4 stars). 2 submissions from 2 submitters: Uncertain significance (2). Last evaluated 2025-06-17.

Conditions:
Charcot-Marie-Tooth disease axonal type 2U. Also called: CHARCOT-MARIE-TOOTH NEUROPATHY, TYPE 2U; CHARCOT-MARIE-TOOTH DISEASE, AXONAL, AUTOSOMAL DOMINANT, TYPE 2U. Identifiers: Orphanet 397735, MedGen C4084821, MONDO:0014566, OMIM 616280.
Severe early-onset pulmonary alveolar proteinosis due to MARS deficiency. Also called: Interstitial lung and liver disease; PULMONARY ALVEOLAR PROTEINOSIS, REUNION ISLAND. Identifiers: Orphanet 440427, MedGen C4225400, MONDO:0014206, OMIM 615486.
MARS1-related disorder. Also called: MARS1-related condition.

Allele frequency attached by ClinVar (database versions not stated): gnomAD exomes below 0.00001 and 0.00001; ExAC 0.00001; gnomAD 0.00001; TOPMed 0.00001; 1000 Genomes Project 0.00020; 1000 Genomes Project 30x 0.00031.
gnomAD v4.1: 7 of 1,612,588 alleles (0.00043%); highest among the groups gnomAD compares: Admixed American, 0.0033%; no homozygotes.

Submissions (2):

PreventionGenetics, part of Exact Sciences
Classification: Uncertain significance for MARS1-related condition. Last evaluated: 2025-06-17. Review status: criteria provided, single submitter. Criteria: ACMG Guidelines, 2015. Collection method: clinical testing. Allele origin: germline.
Comment: The MARS1 c.643G>A variant is predicted to result in the amino acid substitution p.Ala215Thr. To our knowledge, this variant has not been reported in the literature. This variant is reported in 0.0029% of alleles in individuals of Latino descent in gnomAD. At this time, the clinical significance of this variant is uncertain due to the absence of conclusive functional and genetic evidence.

Labcorp Genetics (formerly Invitae), Labcorp
Classification: Uncertain significance for Charcot-Marie-Tooth disease axonal type 2U; Severe early-onset pulmonary alveolar proteinosis due to MARS deficiency. Last evaluated: 2024-08-15. Review status: criteria provided, single submitter. Criteria: Invitae Variant Classification Sherloc (09022015). Collection method: clinical testing. Allele origin: germline.
Comment: This sequence change replaces alanine, which is neutral and non-polar, with threonine, which is neutral and polar, at codon 215 of the MARS protein (p.Ala215Thr). This variant is present in population databases (rs187172640, gnomAD 0.003%). This variant has not been reported in the literature in individuals affected with MARS-related conditions. ClinVar contains an entry for this variant (Variation ID: 1042089). An algorithm developed to predict the effect of missense changes on protein structure and function outputs the following: PolyPhen-2: "Benign". The threonine amino acid residue is found in multiple mammalian species, which suggests that this missense change does not adversely affect protein function. In summary, the available evidence is currently insufficient to determine the role of this variant in disease. Therefore, it has been classified as a Variant of Uncertain Significance.